The following is an entry in ClinVar:

NM_206933.4(USH2A):c.6167_6169del (p.Pro2056del)

Gene: USH2A (usherin; minus strand). Cytogenetic location: 1q41.
Variant type: Deletion.
Coding change: c.6167_6169del on transcript NM_206933.4 (MANE Select); coding-DNA positions 6167 to 6169, 3 bases deleted (CAC; older notation c.6167_6169delCAC).
Protein change: p.Pro2056del; deletes proline 2056.
Molecular consequence: inframe deletion.
Genome position (GRCh38, 1-based): chr1:216,046,587-216,046,589, GTG deleted on the plus strand (CAC on the coding strand, the reverse complement: USH2A is on the minus strand); deleting any 3 consecutive bases within chr1:216,046,587-216,046,590 gives the same sequence; the c. name uses the placement nearest the transcript's 3' end. VCF-style (leftmost placement, unchanged base first): chr1-216046586-TGTG-T. GRCh37 (hg19) VCF-style: chr1-216219928-TGTG-T.
Other names: c.6167_6169del (NM_206933.2); c.6167_6169delCAC (NM_206933.2); short protein forms P2056del.
Identifiers: ClinVar variation 554622 (VCV000554622.5), dbSNP rs776262139, ClinGen allele CA1395198.

ClinVar aggregate classification (germline): Uncertain significance. Review status: criteria provided, multiple submitters, no conflicts (2 of 4 stars). 5 submissions from 4 submitters: Uncertain significance (4). 1 of the submissions does not count toward it. Last evaluated 2023-11-04.

Conditions:
Retinitis pigmentosa 39 (RP39). Identifiers: Orphanet 791, MedGen C3151138, MONDO:0013436, OMIM 613809.
Usher syndrome type 2A. Also called: RETINAL DISEASE IN USHER SYNDROME TYPE IIA, MODIFIER OF; USHER SYNDROME, TYPE IIA. Identifiers: Orphanet 231178, Orphanet 886, MedGen C1848634, MONDO:0010169, OMIM 276901.

Submissions (5):

Genome-Nilou Lab
Classification: Uncertain significance for Retinitis pigmentosa 39. Last evaluated: 2023-11-04. Review status: criteria provided, single submitter. Criteria: ACMG Guidelines, 2015. Collection method: clinical testing. Allele origin: germline. Affected: no.

Genome-Nilou Lab
Classification: Uncertain significance for Usher syndrome type 2A. Last evaluated: 2023-11-04. Review status: criteria provided, single submitter. Criteria: ACMG Guidelines, 2015. Collection method: clinical testing. Allele origin: germline. Affected: no.

GeneDx
Classification: Uncertain significance. Last evaluated: 2023-02-27. Review status: criteria provided, single submitter. Criteria: GeneDx Variant Classification Process June 2021. Collection method: clinical testing. Allele origin: germline. Affected: yes.
Comment: Not observed at significant frequency in large population cohorts (gnomAD); In-frame deletion of 1 amino acids in a non-repeat region; In silico analysis supports a deleterious effect on protein structure/function; Has not been previously published as pathogenic or benign to our knowledge

Labcorp Genetics (formerly Invitae), Labcorp
Classification: Uncertain significance. Last evaluated: 2022-06-02. Review status: criteria provided, single submitter. Criteria: Invitae Variant Classification Sherloc (09022015). Collection method: clinical testing. Allele origin: germline.
Comment: This variant, c.6167_6169del, results in the deletion of 1 amino acid(s) of the USH2A protein (p.Pro2056del), but otherwise preserves the integrity of the reading frame. This variant is present in population databases (rs776262139, gnomAD 0.004%). This variant has been observed in individual(s) with retinitis pigmentosa (Invitae). ClinVar contains an entry for this variant (Variation ID: 554622). Experimental studies and prediction algorithms are not available or were not evaluated, and the functional significance of this variant is currently unknown. In summary, the available evidence is currently insufficient to determine the role of this variant in disease. Therefore, it has been classified as a Variant of Uncertain Significance.

Counsyl
Classification: Uncertain significance for Usher syndrome type 2A; Retinitis pigmentosa 39. Last evaluated: 2017-10-27. Review status: no assertion criteria provided. Collection method: clinical testing. Allele origin: unknown. Not counted in ClinVar's aggregate classification.